The following is an entry in ClinVar:

NM_001079802.2(FKTN):c.293C>G (p.Thr98Ser)

Gene: FKTN (fukutin; plus strand). Cytogenetic location: 9q31.2.
Variant type: single nucleotide variant.
Coding change: c.293C>G on transcript NM_001079802.2 (MANE Select); coding-DNA position 293, C replaced by G.
Protein change: p.Thr98Ser; replaces threonine 98 with serine.
Molecular consequence: missense variant. On other transcripts: 5 prime UTR variant (4), non-coding transcript variant (2).
Genome position (GRCh38, 1-based): chr9:105,601,272, C>G. VCF-style: chr9-105601272-C-G. GRCh37 (hg19) VCF-style: chr9-108363553-C-G.
Other names: p.Thr98Ser; c.293C>G, p.Thr98Ser (NM_001198963.2, NM_001351496.2, NM_001351498.2 and 1 more transcripts); c.224C>G, p.Thr75Ser (NM_001351497.2); c.-222C>G (NM_001351499.2, NM_001351500.2, NM_001351501.2 and 1 more transcripts); short protein forms T98S, T75S.
Identifiers: ClinVar variation 459221 (VCV000459221.23), dbSNP rs376452959, ClinGen allele CA5170365.

ClinVar aggregate classification (germline): Conflicting classifications of pathogenicity. Review status: criteria provided, conflicting classifications (1 of 4 stars). 7 submissions from 7 submitters: Uncertain significance (4); Likely benign (1). 2 of the submissions do not count toward it. Last evaluated 2026-01-19.

Conditions:
Walker-Warburg congenital muscular dystrophy. Also called: Muscular dystrophy-dystroglycanopathy, type A; Walker-Warburg syndrome. Identifiers: Orphanet 899, MedGen C0265221, MONDO:0000171.
FKTN-related disorder. Also called: FKTN-related condition; FKTN-related disorders.
Cardiovascular phenotype. Identifiers: MedGen CN230736.

Allele frequency attached by ClinVar (database versions not stated): TOPMed 0.00010; ESP Exome Variant Server 0.00008.
gnomAD v4.1: 20 of 1,612,598 alleles (0.0012%); highest among the groups gnomAD compares: African/African-American, 0.017%; no homozygotes.

Submissions (7):

Labcorp Genetics (formerly Invitae), Labcorp
Classification: Likely benign for Walker-Warburg congenital muscular dystrophy. Last evaluated: 2026-01-19. Review status: criteria provided, single submitter. Criteria: Invitae Variant Classification Sherloc (09022015). Collection method: clinical testing. Allele origin: germline.

Women's Health and Genetics/Laboratory Corporation of America, LabCorp
Classification: Uncertain significance. Last evaluated: 2025-12-08. Review status: criteria provided, single submitter. Criteria: LabCorp Variant Classification Summary - May 2015. Collection method: clinical testing. Allele origin: germline.

Mayo Clinic Laboratories, Mayo Clinic
Classification: Uncertain significance. Last evaluated: 2025-08-02. Review status: criteria provided, single submitter. Criteria: ACMG Guidelines, 2015. Collection method: clinical testing. Allele origin: germline. Observed: 1 variant allele.
Comment: BP4

Ambry Genetics
Classification: Uncertain significance for Cardiovascular phenotype. Last evaluated: 2024-12-14. Review status: criteria provided, single submitter. Criteria: Ambry Variant Classification Scheme 2023. Collection method: clinical testing. Allele origin: germline.
Comment: The p.T98S variant (also known as c.293C>G), located in coding exon 3 of the FKTN gene, results from a C to G substitution at nucleotide position 293. The threonine at codon 98 is replaced by serine, an amino acid with similar properties. This amino acid position is poorly conserved in available vertebrate species. In addition, this alteration is predicted to be tolerated by in silico analysis. Since supporting evidence is limited at this time, the clinical significance of this alteration remains unclear.

Revvity Omics, Revvity
Classification: Uncertain significance. Last evaluated: 2021-01-06. Review status: criteria provided, single submitter. Criteria: ACMG Guidelines, 2015. Collection method: clinical testing. Allele origin: germline.

PreventionGenetics, part of Exact Sciences
Classification: Uncertain significance for FKTN-related condition. Last evaluated: 2023-10-31. Review status: no assertion criteria provided. Collection method: clinical testing. Allele origin: germline. Not counted in ClinVar's aggregate classification.
Comment: The FKTN c.293C>G variant is predicted to result in the amino acid substitution p.Thr98Ser. To our knowledge, this variant has not been reported in the literature. This variant is reported in 0.024% of alleles in individuals of African descent in gnomAD. At this time, the clinical significance of this variant is uncertain due to the absence of conclusive functional and genetic evidence.

Natera, Inc.
Classification: Uncertain significance for Walker-Warburg congenital muscular dystrophy. Last evaluated: 2019-10-28. Review status: no assertion criteria provided. Collection method: clinical testing. Allele origin: germline. Not counted in ClinVar's aggregate classification.